The following is an entry in ClinVar:

NM_003000.3(SDHB):c.458T>C (p.Ile153Thr)

Gene: SDHB (succinate dehydrogenase complex iron sulfur subunit B; minus strand). Cytogenetic location: 1p36.13.
Variant type: single nucleotide variant.
Coding change: c.458T>C on transcript NM_003000.3 (MANE Select); coding-DNA position 458, T replaced by C.
Protein change: p.Ile153Thr; replaces isoleucine 153 with threonine.
Molecular consequence: missense variant.
Genome position (GRCh38, 1-based): chr1:17,027,831, A>G on the plus strand (T>C on the coding strand, the complement: SDHB is on the minus strand). VCF-style: chr1-17027831-A-G. GRCh37 (hg19) VCF-style: chr1-17354326-A-G.
Other names: short protein forms I153T.
Identifiers: ClinVar variation 852842 (VCV000852842.11), dbSNP rs1396860069, ClinGen allele CA338273094.

ClinVar aggregate classification (germline): Uncertain significance. Review status: criteria provided, multiple submitters, no conflicts (2 of 4 stars). 4 submissions from 4 submitters: Uncertain significance (4). Last evaluated 2025-11-26.

Conditions:
Pheochromocytoma/paraganglioma syndrome 4. Also called: CAROTID BODY TUMORS AND MULTIPLE EXTRAADRENAL PHEOCHROMOCYTOMAS; SDHB-Related Hereditary Paraganglioma-Pheochromocytoma Syndrome (Paragangliomas 4); SDHB-Related Hereditary Paraganglioma-Pheochromocytoma Syndrome; PARAGANGLIOMA, FAMILIAL MALIGNANT; PARAGANGLIOMAS, HEREDITARY EXTRAADRENAL; PHEOCHROMOCYTOMA, FAMILIAL EXTRAADRENAL. Identifiers: Orphanet 29072, MedGen C1861848, MONDO:0007273, OMIM 115310.
Gastrointestinal stromal tumor. Also called: Gastrointestinal stromal tumor, somatic; Gastrointestinal stroma tumor. Identifiers: Orphanet 44890, MedGen C0238198, MeSH D046152, MONDO:0011719, OMIM 606764, HP:0100723.
Pheochromocytoma. Also called: MAX-Related Hereditary Paraganglioma-Pheochromocytoma Syndrome. Identifiers: Orphanet 29072, MedGen C0031511, MONDO:0008233, OMIM 171300, HP:0002666.
Hereditary cancer-predisposing syndrome. Also called: Neoplastic Syndromes, Hereditary; Tumor predisposition; Hereditary Cancer Syndrome; Hereditary neoplastic syndrome. Identifiers: Orphanet 140162, MedGen C0027672, MeSH D009386, MONDO:0015356.

Allele frequency attached by ClinVar (database versions not stated): gnomAD exomes below 0.00001; TOPMed below 0.00001; gnomAD 0.00001.
gnomAD v4.1: 3 of 1,612,666 alleles (0.00019%); highest among the groups gnomAD compares: East Asian, 0.0022%; no homozygotes.

Submissions (4):

Labcorp Genetics (formerly Invitae), Labcorp
Classification: Uncertain significance for Gastrointestinal stromal tumor; Pheochromocytoma/paraganglioma syndrome 4; Pheochromocytoma. Last evaluated: 2025-11-26. Review status: criteria provided, single submitter. Criteria: Invitae Variant Classification Sherloc (09022015). Collection method: clinical testing. Allele origin: germline.
Comment: This sequence change replaces isoleucine, which is neutral and non-polar, with threonine, which is neutral and polar, at codon 153 of the SDHB protein (p.Ile153Thr). This variant is not present in population databases (gnomAD no frequency). This variant has not been reported in the literature in individuals affected with SDHB-related conditions. ClinVar contains an entry for this variant (Variation ID: 852842). Invitae Evidence Modeling of protein sequence and biophysical properties (such as structural, functional, and spatial information, amino acid conservation, physicochemical variation, residue mobility, and thermodynamic stability) has been performed for this missense variant. However, the output from this modeling did not meet the statistical confidence thresholds required to predict the impact of this variant on SDHB protein function. In summary, the available evidence is currently insufficient to determine the role of this variant in disease. Therefore, it has been classified as a Variant of Uncertain Significance.

Ambry Genetics
Classification: Uncertain significance for Hereditary cancer-predisposing syndrome. Last evaluated: 2025-11-02. Review status: criteria provided, single submitter. Criteria: Ambry Variant Classification Scheme 2023. Collection method: clinical testing. Allele origin: germline.
Comment: The p.I153T variant (also known as c.458T>C), located in coding exon 5 of the SDHB gene, results from a T to C substitution at nucleotide position 458. The isoleucine at codon 153 is replaced by threonine, an amino acid with similar properties. This amino acid position is highly conserved in available vertebrate species. In addition, this alteration is predicted to be deleterious by in silico analysis. Since supporting evidence is limited at this time, the clinical significance of this alteration remains unclear.

GeneDx
Classification: Uncertain significance. Last evaluated: 2024-07-09. Review status: criteria provided, single submitter. Criteria: GeneDx Variant Classification Process June 2021. Collection method: clinical testing. Allele origin: germline.
Comment: Not observed at significant frequency in large population cohorts (gnomAD); In silico analysis supports that this missense variant has a deleterious effect on protein structure/function; Has not been previously published as pathogenic or benign to our knowledge

Baylor Genetics
Classification: Uncertain significance for Gastrointestinal stromal tumor. Last evaluated: 2023-10-17. Review status: criteria provided, single submitter. Criteria: ACMG Guidelines, 2015. Collection method: clinical testing. Allele origin: unknown.